The following is an entry in ClinVar:

ClinVar aggregate classification (germline): Uncertain significance. Review status: criteria provided, single submitter (1 of 4 stars). 2 submissions from 2 submitters: Uncertain significance (1). 1 of the submissions does not count toward it. Last evaluated 2026-08-17.

Conditions:
Inborn genetic diseases. Identifiers: MedGen C0950123, MeSH D030342.
KMT2D-related disorder. Also called: KMT2D-Related Disorders.

gnomAD v4.1: 3 of 1,533,208 alleles (0.0002%); highest among the groups gnomAD compares: Admixed American, 0.0021%; no homozygotes.

Submissions (2):

Ambry Genetics
Classification: Uncertain significance for Inborn genetic diseases. Last evaluated: 2026-08-17. Review status: criteria provided, single submitter. Criteria: Ambry Variant Classification Scheme 2023. Collection method: clinical testing. Allele origin: germline.

PreventionGenetics, part of Exact Sciences
Classification: Uncertain significance for KMT2D-related condition. Last evaluated: 2024-08-07. Review status: no assertion criteria provided. Collection method: clinical testing. Allele origin: germline. Not counted in ClinVar's aggregate classification.
Comment: The KMT2D c.12817C>T variant is predicted to result in the amino acid substitution p.Pro4273Ser. To our knowledge, this variant has not been reported in the literature or in a large population database, indicating this variant is rare. At this time, the clinical significance of this variant is uncertain due to the absence of conclusive functional and genetic evidence.

NM_003482.4(KMT2D):c.12817C>T (p.Pro4273Ser)

Gene: KMT2D (lysine methyltransferase 2D; minus strand). Cytogenetic location: 12q13.12.
Variant type: single nucleotide variant.
Coding change: c.12817C>T on transcript NM_003482.4 (MANE Select); coding-DNA position 12817, C replaced by T.
Protein change: p.Pro4273Ser; replaces proline 4273 with serine.
Molecular consequence: missense variant.
Genome position (GRCh38, 1-based): chr12:49,031,888, G>A on the plus strand (C>T on the coding strand, the complement: KMT2D is on the minus strand). VCF-style: chr12-49031888-G-A. GRCh37 (hg19) VCF-style: chr12-49425671-G-A.
Other names: short protein forms P4273S.
Identifiers: ClinVar variation 3344510 (VCV003344510.2).
Genomic context (GRCh38, chr12:49,031,888, plus strand): 5'-GTGGGGCAGGGAGCCGGGGTGGGCCCTGAGGTCGAGGCCCTGCCCCTAGCTCCTGGAGGG[G>A]GCCTGTCTGTGGTCCAGGGAAGCCCCCAAGTTGAGGTTGGCAGCCCAGGAGGCCCTGGAG-3'
Protein context (NP_003473.3, residues 4263-4283): LGGFPGPQTG[Pro4273Ser]LQELGAGPRP